The following is an entry in ClinVar:

NM_018136.5(ASPM):c.1802G>T (p.Arg601Ile)

Gene: ASPM (assembly factor for spindle microtubules; minus strand). Cytogenetic location: 1q31.3.
Variant type: single nucleotide variant.
Coding change: c.1802G>T on transcript NM_018136.5 (MANE Select); coding-DNA position 1802, G replaced by T.
Protein change: p.Arg601Ile; replaces arginine 601 with isoleucine.
Molecular consequence: missense variant.
Genome position (GRCh38, 1-based): chr1:197,142,450, C>A on the plus strand (G>T on the coding strand, the complement: ASPM is on the minus strand). VCF-style: chr1-197142450-C-A. GRCh37 (hg19) VCF-style: chr1-197111580-C-A.
Other names: c.1802G>T, p.Arg601Ile (NM_001206846.2); short protein forms R601I.
Identifiers: ClinVar variation 585442 (VCV000585442.8), dbSNP rs766146033, ClinGen allele CA1310649.

ClinVar aggregate classification (germline): Uncertain significance. Review status: criteria provided, multiple submitters, no conflicts (2 of 4 stars). 3 submissions from 3 submitters: Uncertain significance (3). Last evaluated 2023-04-11.

Conditions:
Microcephaly 5, primary, autosomal recessive (MCPH5). Also called: ASPM Primary Microcephaly. Identifiers: Orphanet 2512, MedGen C1837501, MONDO:0012106, OMIM 608716.

Allele frequency attached by ClinVar (database versions not stated): gnomAD exomes below 0.00001; TOPMed below 0.00001; ExAC 0.00001; gnomAD 0.00001.
gnomAD v4.1: 1 of 1,613,794 alleles (0.000062%); highest among the groups gnomAD compares: African/African-American, 0.0013%; no homozygotes.

Submissions (3):

Genome-Nilou Lab
Classification: Uncertain significance for Microcephaly 5, primary, autosomal recessive. Last evaluated: 2023-04-11. Review status: criteria provided, single submitter. Criteria: ACMG Guidelines, 2015. Collection method: clinical testing. Allele origin: germline. Affected: no.

Labcorp Genetics (formerly Invitae), Labcorp
Classification: Uncertain significance. Last evaluated: 2021-10-05. Review status: criteria provided, single submitter. Criteria: Invitae Variant Classification Sherloc (09022015). Collection method: clinical testing. Allele origin: germline.
Comment: In summary, the available evidence is currently insufficient to determine the role of this variant in disease. Therefore, it has been classified as a Variant of Uncertain Significance. Algorithms developed to predict the effect of missense changes on protein structure and function are either unavailable or do not agree on the potential impact of this missense change (SIFT: "Deleterious"; PolyPhen-2: "Benign"; Align-GVGD: "Class C0"). ClinVar contains an entry for this variant (Variation ID: 585442). This variant has not been reported in the literature in individuals affected with ASPM-related conditions. This variant is present in population databases (rs766146033, ExAC 0.01%). This sequence change replaces arginine with isoleucine at codon 601 of the ASPM protein (p.Arg601Ile). The arginine residue is moderately conserved and there is a moderate physicochemical difference between arginine and isoleucine.

Athena Diagnostics
Classification: Uncertain significance. Last evaluated: 2018-03-05. Review status: criteria provided, single submitter. Criteria: Athena Diagnostics Criteria. Collection method: clinical testing. Allele origin: germline.